The following is an entry in ClinVar:

ClinVar aggregate classification (germline): Conflicting classifications of pathogenicity. Review status: criteria provided, conflicting classifications (1 of 4 stars). 2 submissions from 2 submitters: Pathogenic (1); Uncertain significance (1). Last evaluated 2024-07-31.

Allele frequency attached by ClinVar (database versions not stated): TOPMed below 0.00001; ExAC 0.00001; gnomAD 0.00001; gnomAD exomes 0.00001.
gnomAD v4.1: 12 of 1,613,808 alleles (0.00074%); highest among the groups gnomAD compares: Middle Eastern, 0.016%; no homozygotes.

Submissions (2):

Blueprint Genetics
Classification: Uncertain significance. Last evaluated: 2024-07-31. Review status: criteria provided, single submitter. Criteria: ACMG Guidelines, 2015. Collection method: clinical testing. Allele origin: germline.

Labcorp Genetics (formerly Invitae), Labcorp
Classification: Pathogenic. Last evaluated: 2023-12-22. Review status: criteria provided, single submitter. Criteria: Invitae Variant Classification Sherloc (09022015). Collection method: clinical testing. Allele origin: germline.
Comment: This sequence change replaces arginine, which is basic and polar, with glutamine, which is neutral and polar, at codon 91 of the COL11A2 protein (p.Arg91Gln). This variant is present in population databases (rs763766268, gnomAD 0.003%). This missense change has been observed in individual(s) with clinical features of autosomal dominant COL11A2-related conditions (Invitae). In at least one individual the variant was observed to be de novo. ClinVar contains an entry for this variant (Variation ID: 1371095). Advanced modeling of protein sequence and biophysical properties (such as structural, functional, and spatial information, amino acid conservation, physicochemical variation, residue mobility, and thermodynamic stability) performed at Invitae indicates that this missense variant is not expected to disrupt COL11A2 protein function with a negative predictive value of 95%. For these reasons, this variant has been classified as Pathogenic.

NM_080680.3(COL11A2):c.272G>A (p.Arg91Gln)

Gene: COL11A2 (collagen type XI alpha 2 chain; minus strand). Cytogenetic location: 6p21.32.
Variant type: single nucleotide variant.
Coding change: c.272G>A on transcript NM_080680.3 (MANE Select); coding-DNA position 272, G replaced by A.
Protein change: p.Arg91Gln; replaces arginine 91 with glutamine.
Molecular consequence: missense variant.
Genome position (GRCh38, 1-based): chr6:33,189,149, C>T on the plus strand (G>A on the coding strand, the complement: COL11A2 is on the minus strand). VCF-style: chr6-33189149-C-T. GRCh37 (hg19) VCF-style: chr6-33156926-C-T.
Other names: c.272G>A, p.Arg91Gln (NM_001163771.2, NM_080679.3, NM_080681.3); short protein forms R91Q.
Identifiers: ClinVar variation 1371095 (VCV001371095.7), dbSNP rs763766268, ClinGen allele CA3751704.